The following is an entry in ClinVar:

NM_004655.4(AXIN2):c.1721G>A (p.Arg574Lys)

Gene: AXIN2 (axin 2; minus strand). Cytogenetic location: 17q24.1.
Variant type: single nucleotide variant.
Coding change: c.1721G>A on transcript NM_004655.4 (MANE Select); coding-DNA position 1721, G replaced by A.
Protein change: p.Arg574Lys; replaces arginine 574 with lysine.
Molecular consequence: missense variant. On other transcripts: intron variant (1).
Genome position (GRCh38, 1-based): chr17:65,537,055, C>T on the plus strand (G>A on the coding strand, the complement: AXIN2 is on the minus strand). VCF-style: chr17-65537055-C-T. GRCh37 (hg19) VCF-style: chr17-63533173-C-T.
Other names: c.1721G>A (LRG_296t1); c.1712+269G>A (NM_001363813.1); short protein forms R574K.
Identifiers: ClinVar variation 464569 (VCV000464569.14), dbSNP rs1425391968, ClinGen allele CA400676750.

ClinVar aggregate classification (germline): Uncertain significance. Review status: criteria provided, multiple submitters, no conflicts (2 of 4 stars). 4 submissions from 4 submitters: Uncertain significance (4). Last evaluated 2025-11-21.

Conditions:
Oligodontia-cancer predisposition syndrome. Also called: TOOTH AGENESIS-COLORECTAL CANCER SYNDROME. Identifiers: Orphanet 300576, MedGen C1837750, MONDO:0012075, OMIM 608615. Disease mechanism: loss of function.
Hereditary cancer-predisposing syndrome. Also called: Neoplastic Syndromes, Hereditary; Tumor predisposition; Hereditary Cancer Syndrome; Hereditary neoplastic syndrome. Identifiers: Orphanet 140162, MedGen C0027672, MeSH D009386, MONDO:0015356.

gnomAD v4.1: 5 of 1,604,568 alleles (0.00031%); highest among the groups gnomAD compares: Non-Finnish European, 0.00042%; no homozygotes.

Submissions (4):

Labcorp Genetics (formerly Invitae), Labcorp
Classification: Uncertain significance for Oligodontia-cancer predisposition syndrome. Last evaluated: 2025-11-21. Review status: criteria provided, single submitter. Criteria: Invitae Variant Classification Sherloc (09022015). Collection method: clinical testing. Allele origin: germline.
Comment: This sequence change replaces arginine, which is basic and polar, with lysine, which is basic and polar, at codon 574 of the AXIN2 protein (p.Arg574Lys). This variant is not present in population databases (gnomAD no frequency). This variant has not been reported in the literature in individuals affected with AXIN2-related conditions. ClinVar contains an entry for this variant (Variation ID: 464569). Invitae Evidence Modeling of protein sequence and biophysical properties (such as structural, functional, and spatial information, amino acid conservation, physicochemical variation, residue mobility, and thermodynamic stability) indicates that this missense variant is not expected to disrupt AXIN2 protein function with a negative predictive value of 80%. In summary, the available evidence is currently insufficient to determine the role of this variant in disease. Therefore, it has been classified as a Variant of Uncertain Significance.

Ambry Genetics
Classification: Uncertain significance for Hereditary cancer-predisposing syndrome. Last evaluated: 2023-12-14. Review status: criteria provided, single submitter. Criteria: Ambry Variant Classification Scheme 2023. Collection method: clinical testing. Allele origin: germline.
Comment: The p.R574K variant (also known as c.1721G>A), located in coding exon 6 of the AXIN2 gene, results from a G to A substitution at nucleotide position 1721. The arginine at codon 574 is replaced by lysine, an amino acid with highly similar properties. This amino acid position is highly conserved in available vertebrate species. In addition, this alteration is predicted to be tolerated by in silico analysis. Since supporting evidence is limited at this time, the clinical significance of this alteration remains unclear.

Sema4
Classification: Uncertain significance for Hereditary cancer-predisposing syndrome. Last evaluated: 2022-02-24. Review status: criteria provided, single submitter. Criteria: Sema4 Curation Guidelines. Collection method: curation. Allele origin: germline.
Comment: The AXIN2 c.1721G>A (p.R574K) variant has not been reported in the literature to our knowledge. It was not observed in the large and broad cohorts of the Genome Aggregation Database (PMID: 32461654). This variant has been reported in ClinVar (Variation ID: 464569). In silico tools suggest the impact of the variant on protein function is benign, though these predictions have not been confirmed by functional studies. The evidence is insufficient to meet ACMG/AMP criteria for classifying the variant as benign or pathogenic. Thus, the clinical significance of this variant is currently uncertain.

GeneDx
Classification: Uncertain significance. Last evaluated: 2021-12-28. Review status: criteria provided, single submitter. Criteria: GeneDx Variant Classification Process June 2021. Collection method: clinical testing. Allele origin: germline. Affected: yes.
Comment: Not observed at significant frequency in large population cohorts (Lek 2016); In silico analysis supports that this missense variant does not alter protein structure/function; Has not been previously published as pathogenic or benign to our knowledge